The following is an entry in ClinVar:

ClinVar aggregate classification (germline): Likely benign (1 of 4 stars; one submission).

Allele frequency attached by ClinVar (database versions not stated): ExAC 0.00104.

Submission:

CeGaT Center for Human Genetics Tuebingen
Classification: Likely benign. Last evaluated: 2023-01-01. Review status: criteria provided, single submitter. Criteria: CeGaT Center For Human Genetics Tuebingen Variant Classification Criteria Version 2. Collection method: clinical testing. Allele origin: germline. Affected: yes. Observed: 1 variant allele.
Comment: NBPF1: BP4, BP7

NM_001405666.3(NBPF1):c.2349T>C (p.Ile783=)

Gene: NBPF1 (NBPF member 1). Cytogenetic location: 1p36.13.
Variant type: single nucleotide variant.
Coding change: c.2349T>C on transcript NM_001405666.3 (MANE Select); coding-DNA position 2349, T replaced by C.
Protein change: p.Ile783=; no amino-acid change (isoleucine 783 retained).
Molecular consequence: synonymous variant.
Genome position (GRCh38, 1-based): chr1:16,574,536, A>G on the plus strand (T>C on the coding strand, the complement: NBPF1 is on the minus strand). VCF-style: chr1-16574536-A-G. GRCh37 (hg19) VCF-style: chr1-16901031-A-G.
Other names: c.2349T>C, p.Ile783= (NM_001405667.2, NM_001405668.2, NM_001405669.2 and 24 more transcripts); c.1536T>C, p.Ile512= (NM_001405679.2, NM_001405697.2, NM_001405700.2); c.2031T>C, p.Ile677= (NM_001405699.2); c.723T>C, p.Ile241= (NM_001405701.2).
Identifiers: ClinVar variation 2638362 (VCV002638362.23), dbSNP rs11581347, ClinGen allele CA629383.